The following is an entry in ClinVar:

NM_000059.4(BRCA2):c.6644dup (p.Tyr2215Ter)

Gene: BRCA2 (BRCA2 DNA repair associated; plus strand). Cytogenetic location: 13q13.1.
Variant type: Duplication.
Coding change: c.6644dup on transcript NM_000059.4 (MANE Select); coding-DNA position 6644, one base duplicated (A; older notation c.6644dupA).
Protein change: p.Tyr2215Ter; replaces tyrosine 2215 with a stop codon.
Molecular consequence: nonsense.
Genome position (GRCh38, 1-based): chr13:32,340,999, A duplicated. VCF-style (leftmost placement, unchanged base first): chr13-32340998-T-TA. GRCh37 (hg19) VCF-style: chr13-32915135-T-TA.
Other names: 6872insA; c.6644dupA (NM_000059.3); short protein forms Y2215*.
Identifiers: ClinVar variation 52146 (VCV000052146.18), dbSNP rs80359615, ClinGen allele CA024247.

ClinVar aggregate classification (germline): Pathogenic. Review status: reviewed by expert panel (3 of 4 stars). 8 submissions from 8 submitters: Pathogenic (1). 7 of the submissions do not count toward it. Last evaluated 2016-09-08.

Conditions:
Hereditary cancer-predisposing syndrome. Also called: Neoplastic Syndromes, Hereditary; Tumor predisposition; Hereditary neoplastic syndrome; Hereditary Cancer Syndrome. Identifiers: Orphanet 140162, MedGen C0027672, MeSH D009386, MONDO:0015356.
Hereditary breast ovarian cancer syndrome. Also called: Hereditary breast and ovarian cancer syndrome; Hereditary breast and ovarian cancer; Hereditary breast and ovarian cancer syndrome (HBOC); Breast and ovarian cancer; Hereditary breast and/or ovarian cancer syndrome; BRCA1- and BRCA2-Associated Hereditary Breast and Ovarian Cancer. Identifiers: Orphanet 145, MedGen C0677776, MeSH D061325, MONDO:0003582. Disease mechanism: loss of function.
Familial cancer of breast. Also called: BREAST CANCER, FAMILIAL; Hereditary breast cancer; hereditary breast carcinoma. Identifiers: Orphanet 227535, MedGen C0346153, MONDO:0016419, OMIM 114480. Disease mechanism: loss of function.
Breast-ovarian cancer, familial, susceptibility to, 2 (BROVCA2). Also called: BRCA2 Hereditary Breast and Ovarian Cancer. Identifiers: Orphanet 145, MedGen C2675520, MONDO:0012933, OMIM 612555. Disease mechanism: loss of function.

Submissions (8):

Evidence-based Network for the Interpretation of Germline Mutant Alleles (ENIGMA)
Classification: Pathogenic for Breast-ovarian cancer, familial, susceptibility to, 2. Last evaluated: 2016-09-08. Review status: reviewed by expert panel. Criteria: ENIGMA BRCA1/2 Classification Criteria (2015). Collection method: curation. Allele origin: germline.
Comment: Variant allele predicted to encode a truncated non-functional protein.

Labcorp Genetics (formerly Invitae), Labcorp
Classification: Pathogenic for Hereditary breast ovarian cancer syndrome. Last evaluated: 2024-04-06. Review status: criteria provided, single submitter. Criteria: Invitae Variant Classification Sherloc (09022015). Collection method: clinical testing. Allele origin: germline. Not counted in ClinVar's aggregate classification.
Comment: This sequence change creates a premature translational stop signal (p.Tyr2215*) in the BRCA2 gene. It is expected to result in an absent or disrupted protein product. Loss-of-function variants in BRCA2 are known to be pathogenic (PMID: 20104584). This variant is not present in population databases (gnomAD no frequency). This premature translational stop signal has been observed in individual(s) with breast and/or ovarian cancer (PMID: 9667259, 26976419). This variant is also known as 6872insA. ClinVar contains an entry for this variant (Variation ID: 52146). For these reasons, this variant has been classified as Pathogenic.

Baylor Genetics
Classification: Pathogenic for Familial cancer of breast. Last evaluated: 2021-09-07. Review status: criteria provided, single submitter. Criteria: ACMG Guidelines, 2015. Collection method: clinical testing. Allele origin: unknown. Not counted in ClinVar's aggregate classification.

Ambry Genetics
Classification: Pathogenic for Hereditary cancer-predisposing syndrome. Last evaluated: 2021-06-17. Review status: criteria provided, single submitter. Criteria: Ambry Variant Classification Scheme 2023. Collection method: clinical testing. Allele origin: germline. Not counted in ClinVar's aggregate classification.
Comment: The c.6644dupA pathogenic mutation, located in coding exon 10 of the BRCA2 gene, results from a duplication of A at nucleotide position 6644, causing a translational frameshift with a predicted alternate stop codon (p.Y2215*). This mutation has been detected in multiple breast and/or ovarian cancer cohorts (Frank TS et al. J Clin Oncol, 1998 Jul;16:2417-25; Tung N et al. J Clin Oncol, 2016 May;34:1460-8; Rebbeck TR et al. Hum Mutat, 2018 05;39:593-620), as well as an individual with prostate cancer (Pili&eacute; PG et al. Cancer, 2017 Oct;123:3925-3932). Of note, this alteration is also designated as 6872insA in the literature. In addition to the clinical data presented in the literature, this alteration is expected to result in loss of function by premature protein truncation or nonsense-mediated mRNA decay. As such, this alteration is interpreted as a disease-causing mutation.

Quest Diagnostics Nichols Institute San Juan Capistrano
Classification: Pathogenic for Breast-ovarian cancer, familial, susceptibility to, 2. Last evaluated: 2015-12-08. Review status: criteria provided, single submitter. Criteria: Quest Diagnostics criteria. Collection method: clinical testing. Allele origin: germline. Inheritance: Autosomal dominant inheritance. Not counted in ClinVar's aggregate classification.

Consortium of Investigators of Modifiers of BRCA1/2 (CIMBA), c/o University of Cambridge
Classification: Pathogenic for Breast-ovarian cancer, familial, susceptibility to, 2. Last evaluated: 2015-10-02. Review status: criteria provided, single submitter. Criteria: CIMBA Mutation Classification guidelines May 2016. Collection method: clinical testing. Allele origin: germline. Not counted in ClinVar's aggregate classification.

Research Molecular Genetics Laboratory, Women's College Hospital, University of Toronto
Classification: Pathogenic for Hereditary breast ovarian cancer syndrome. Last evaluated: 2014-01-31. Review status: no assertion criteria provided. Collection method: research. Allele origin: germline. Affected: yes. Study: The Canadian Open Genetics Repository (COGR). Not counted in ClinVar's aggregate classification.

Breast Cancer Information Core (BIC) (BRCA2)
Classification: Pathogenic for Breast-ovarian cancer, familial 2. Last evaluated: 2004-02-20. Review status: no assertion criteria provided. Collection method: clinical testing. Allele origin: germline. Affected: yes. Observed: 3 variant alleles. Not counted in ClinVar's aggregate classification.

Literature cited by the submitters: PubMed 20104584 (cited by Labcorp Genetics (formerly Invitae), Labcorp); PubMed 9667259 (cited by 3 submitters); PubMed 26976419 (cited by Labcorp Genetics (formerly Invitae), Labcorp and Ambry Genetics); PubMed 28657667 (cited by Ambry Genetics); PubMed 29446198 (cited by Ambry Genetics); PubMed 26295337 (cited by Quest Diagnostics Nichols Institute San Juan Capistrano).